The following is an entry in ClinVar:

ClinVar aggregate classification (germline): Uncertain significance (1 of 4 stars; one submission).

Conditions:
Noonan syndrome 9 (NS9). Identifiers: Orphanet 648, MedGen C4225282, MONDO:0014691, OMIM 616559.

Submission:

Labcorp Genetics (formerly Invitae), Labcorp
Classification: Uncertain significance for Noonan syndrome 9. Last evaluated: 2022-04-02. Review status: criteria provided, single submitter. Criteria: Invitae Variant Classification Sherloc (09022015). Collection method: clinical testing. Allele origin: germline.
Comment: In summary, the available evidence is currently insufficient to determine the role of this variant in disease. Therefore, it has been classified as a Variant of Uncertain Significance. Advanced modeling of protein sequence and biophysical properties (such as structural, functional, and spatial information, amino acid conservation, physicochemical variation, residue mobility, and thermodynamic stability) performed at Invitae indicates that this missense variant is expected to disrupt SOS2 protein function. This variant has not been reported in the literature in individuals affected with SOS2-related conditions. This variant is not present in population databases (gnomAD no frequency). This sequence change replaces serine, which is neutral and polar, with arginine, which is basic and polar, at codon 279 of the SOS2 protein (p.Ser279Arg).

NM_006939.4(SOS2):c.835A>C (p.Ser279Arg)

Gene: SOS2 (SOS Ras/Rho guanine nucleotide exchange factor 2; minus strand). Cytogenetic location: 14q21.3.
Variant type: single nucleotide variant.
Coding change: c.835A>C on transcript NM_006939.4 (MANE Select); coding-DNA position 835, A replaced by C.
Protein change: p.Ser279Arg; replaces serine 279 with arginine.
Molecular consequence: missense variant.
Genome position (GRCh38, 1-based): chr14:50,182,486, T>G on the plus strand (A>C on the coding strand, the complement: SOS2 is on the minus strand). VCF-style: chr14-50182486-T-G. GRCh37 (hg19) VCF-style: chr14-50649204-T-G.
Other names: c.835A>C, p.Ser279Arg (NM_001411020.1); short protein forms S279R.
Identifiers: ClinVar variation 2120835 (VCV002120835.4), dbSNP rs2503104237, ClinGen allele CA389647642.